The following is an entry in ClinVar:

NM_080683.3(PTPN13):c.3160G>A (p.Val1054Ile)

Gene: PTPN13 (protein tyrosine phosphatase non-receptor type 13; plus strand). Cytogenetic location: 4q21.3.
Variant type: single nucleotide variant.
Coding change: c.3160G>A on transcript NM_080683.3 (MANE Select); coding-DNA position 3160, G replaced by A.
Protein change: p.Val1054Ile; replaces valine 1054 with isoleucine.
Molecular consequence: missense variant. On other transcripts: intron variant (1).
Genome position (GRCh38, 1-based): chr4:86,751,118, G>A. VCF-style: chr4-86751118-G-A. GRCh37 (hg19) VCF-style: chr4-87672271-G-A.
Other names: c.3160G>A, p.Val1054Ile (NM_006264.3, NM_080685.3); c.2650+5990G>A (NM_080684.3); c.3160G>A (NM_080685.2); short protein forms V1054I.
Identifiers: ClinVar variation 1050306 (VCV001050306.3), dbSNP rs1458756205, ClinGen allele CA357557019.

ClinVar aggregate classification (germline): Uncertain significance. Review status: criteria provided, single submitter (1 of 4 stars). 2 submissions from 2 submitters: Uncertain significance (1). 1 of the submissions does not count toward it. Last evaluated 2023-01-06.

Allele frequency attached by ClinVar (database versions not stated): TOPMed below 0.00001; gnomAD 0.00001; gnomAD exomes 0.00002.

Submissions (2):

Ambry Genetics
Classification: Uncertain significance. Last evaluated: 2023-01-06. Review status: criteria provided, single submitter. Criteria: Ambry Variant Classification Scheme 2023. Collection method: clinical testing. Allele origin: germline.

Department of Pathology and Laboratory Medicine, Sinai Health System
Classification: Uncertain significance. Review status: no assertion criteria provided. Collection method: clinical testing. Allele origin: unknown. Affected: yes. Study: The Canadian Open Genetics Repository (COGR). Not counted in ClinVar's aggregate classification.
Comment: The PTPN13 p.Val1054Ile variant was not identified in the literature nor was it identified in ClinVar or Cosmic. The variant was identified in dbSNP (ID: rs1458756205) but was not identified in the following control databases: the 1000 Genomes Project, the NHLBI GO Exome Sequencing Project, or the Genome Aggregation Database (March 6, 2019, v2.1.1). The p.Val1054 residue is not conserved in mammals and computational analyses (PolyPhen-2, SIFT, AlignGVGD, BLOSUM, MutationTaster) provide inconsistent predictions regarding the impact to the protein; this information is not very predictive of pathogenicity. The variant occurs outside of the splicing consensus sequence and in silico or computational prediction software programs (SpliceSiteFinder, MaxEntScan, NNSPLICE, GeneSplicer) do not predict a difference in splicing. In summary, based on the above information the clinical significance of this variant cannot be determined with certainty at this time. This variant is classified as a variant of uncertain significance.